The following is an entry in ClinVar:

NM_004525.3(LRP2):c.8308A>G (p.Ser2770Gly)

Gene: LRP2 (LDL receptor related protein 2; minus strand). Cytogenetic location: 2q31.1.
Variant type: single nucleotide variant.
Coding change: c.8308A>G on transcript NM_004525.3 (MANE Select); coding-DNA position 8308, A replaced by G.
Protein change: p.Ser2770Gly; replaces serine 2770 with glycine.
Molecular consequence: missense variant.
Genome position (GRCh38, 1-based): chr2:169,201,772, T>C on the plus strand (A>G on the coding strand, the complement: LRP2 is on the minus strand). VCF-style: chr2-169201772-T-C. GRCh37 (hg19) VCF-style: chr2-170058282-T-C.
Other names: short protein forms S2770G.
Identifiers: ClinVar variation 1376252 (VCV001376252.6), dbSNP rs2105325896, ClinGen allele CA349165540.

ClinVar aggregate classification (germline): Uncertain significance (1 of 4 stars; one submission).

Submission:

Labcorp Genetics (formerly Invitae), Labcorp
Classification: Uncertain significance. Last evaluated: 2023-08-04. Review status: criteria provided, single submitter. Criteria: Invitae Variant Classification Sherloc (09022015). Collection method: clinical testing. Allele origin: germline.
Comment: In summary, the available evidence is currently insufficient to determine the role of this variant in disease. Therefore, it has been classified as a Variant of Uncertain Significance. Advanced modeling of protein sequence and biophysical properties (such as structural, functional, and spatial information, amino acid conservation, physicochemical variation, residue mobility, and thermodynamic stability) performed at Invitae indicates that this missense variant is expected to disrupt LRP2 protein function. ClinVar contains an entry for this variant (Variation ID: 1376252). This variant has not been reported in the literature in individuals affected with LRP2-related conditions. This variant is not present in population databases (gnomAD no frequency). This sequence change replaces serine, which is neutral and polar, with glycine, which is neutral and non-polar, at codon 2770 of the LRP2 protein (p.Ser2770Gly).